The following is an entry in ClinVar:

NM_015215.4(CAMTA1):c.1457A>G (p.Asp486Gly)

Gene: CAMTA1 (calmodulin binding transcription activator 1; plus strand). Cytogenetic location: 1p36.23.
Variant type: single nucleotide variant.
Coding change: c.1457A>G on transcript NM_015215.4 (MANE Select); coding-DNA position 1457, A replaced by G.
Protein change: p.Asp486Gly; replaces aspartic acid 486 with glycine.
Molecular consequence: missense variant.
Genome position (GRCh38, 1-based): chr1:7,664,004, A>G. VCF-style: chr1-7664004-A-G. GRCh37 (hg19) VCF-style: chr1-7724064-A-G.
Other names: c.1367A>G, p.Asp456Gly (NM_001349608.2, NM_001349612.2); c.1457A>G, p.Asp486Gly (NM_001349609.2, NM_001349610.2, NM_001410737.1); c.1385A>G, p.Asp462Gly (NM_001410738.1); short protein forms D456G, D462G, D486G.
Identifiers: ClinVar variation 3899686 (VCV003899686.1).
Genomic context (GRCh38, chr1:7,664,004, plus strand): 5'-TCTCCACCACCCTCGACGGTGGCCGGAAGATTCCAGAAACCACCATGAACTTTGACCCCG[A>G]CTGTTTCCTTAATAACCCAAAGCAGGGCCAGACGTACGGGGGTGGAGGCCTGAAAGCCGA-3'
Protein context (NP_056030.1, residues 476-496): IPETTMNFDP[Asp486Gly]CFLNNPKQGQ

ClinVar aggregate classification (germline): Uncertain significance (1 of 4 stars; one submission).

Submission:

GeneDx
Classification: Uncertain significance. Last evaluated: 2024-11-12. Review status: criteria provided, single submitter. Criteria: GeneDx Variant Classification Process June 2021. Collection method: clinical testing. Allele origin: germline. Affected: yes.
Comment: Not observed at significant frequency in large population cohorts (gnomAD); In silico analysis supports that this missense variant has a deleterious effect on protein structure/function; Has not been previously published as pathogenic or benign to our knowledge